The following is an entry in ClinVar:

NM_000548.5(TSC2):c.595G>C (p.Val199Leu)

Gene: TSC2 (TSC complex subunit 2; plus strand). Cytogenetic location: 16p13.3.
Variant type: single nucleotide variant.
Coding change: c.595G>C on transcript NM_000548.5 (MANE Select); coding-DNA position 595, G replaced by C.
Protein change: p.Val199Leu; replaces valine 199 with leucine.
Molecular consequence: missense variant. On other transcripts: intron variant (1).
Genome position (GRCh38, 1-based): chr16:2,055,515, G>C. VCF-style: chr16-2055515-G-C. GRCh37 (hg19) VCF-style: chr16-2105516-G-C.
Other names: c.595G>C, p.Val199Leu (NM_001077183.3, NM_001114382.3, NM_001363528.2 and 3 more transcripts); c.484G>C, p.Val162Leu (NM_001318827.2); c.448G>C, p.Val150Leu (NM_001318829.2); c.628G>C, p.Val210Leu (NM_001318832.2); c.-1-681G>C (NM_001318831.2); short protein forms V199L, V150L, V210L, V162L.
Identifiers: ClinVar variation 135378 (VCV000135378.12), dbSNP rs587778733, ClinGen allele CA022614.

ClinVar aggregate classification (germline): Conflicting classifications of pathogenicity. Review status: criteria provided, conflicting classifications (1 of 4 stars). 5 submissions from 5 submitters: Uncertain significance (3); Benign (1). 1 of the submissions does not count toward it. Last evaluated 2025-10-07.

Conditions:
Lymphangiomyomatosis (LAM). Also called: Lymphangioleiomyomatosis, somatic; Lymphangioleiomyomatosis. Identifiers: Orphanet 538, MedGen C0751674, MONDO:0011705, OMIM 606690.
Isolated focal cortical dysplasia type II (FCORD2). Also called: Focal cortical dysplasia type II; CORTICAL DYSPLASIA OF TAYLOR. Identifiers: Orphanet 268994, MedGen C1846385, MONDO:0011818, OMIM 607341, HP:0032051.
Tuberous sclerosis 2 (TSC2). Identifiers: Orphanet 805, MedGen C1860707, MONDO:0013199, OMIM 613254.
Hereditary cancer-predisposing syndrome. Also called: Tumor predisposition; Hereditary neoplastic syndrome; Neoplastic Syndromes, Hereditary; Hereditary Cancer Syndrome. Identifiers: Orphanet 140162, MedGen C0027672, MeSH D009386, MONDO:0015356.

Allele frequency attached by ClinVar (database versions not stated): gnomAD exomes below 0.00001 and 0.00001; ExAC 0.00001.
gnomAD v4.1: 1 of 1,613,328 alleles (0.000062%); highest among the groups gnomAD compares: South Asian, 0.0011%; no homozygotes.

Submissions (5):

Ambry Genetics
Classification: Uncertain significance for Hereditary cancer-predisposing syndrome. Last evaluated: 2025-10-07. Review status: criteria provided, single submitter. Criteria: Ambry Variant Classification Scheme 2023. Collection method: clinical testing. Allele origin: germline.
Comment: The p.V199L variant (also known as c.595G>C), located in coding exon 5 of the TSC2 gene, results from a G to C substitution at nucleotide position 595. The valine at codon 199 is replaced by leucine, an amino acid with highly similar properties. This amino acid position is conserved. In addition, this alteration is predicted to be deleterious by in silico analysis. Based on the available evidence, the clinical significance of this variant remains unclear.

Fulgent Genetics
Classification: Uncertain significance for Lymphangiomyomatosis; Isolated focal cortical dysplasia type II; Tuberous sclerosis 2. Last evaluated: 2024-04-23. Review status: criteria provided, single submitter. Criteria: ACMG Guidelines, 2015. Collection method: clinical testing. Allele origin: germline.

Labcorp Genetics (formerly Invitae), Labcorp
Classification: Benign for Tuberous sclerosis 2. Last evaluated: 2023-07-07. Review status: criteria provided, single submitter. Criteria: Invitae Variant Classification Sherloc (09022015). Collection method: clinical testing. Allele origin: germline.

Blueprint Genetics
Classification: Uncertain significance. Last evaluated: 2021-12-13. Review status: criteria provided, single submitter. Criteria: ACMG Guidelines, 2015. Collection method: clinical testing. Allele origin: germline.

ITMI
No classification provided. Condition: AllHighlyPenetrant. Last evaluated: 2013-09-19. Review status: no classification provided. Collection method: reference population. Allele origin: germline. Not counted in ClinVar's aggregate classification.
Comment: Please see associated publication for description of ethnicities

Literature cited by the submitters: PubMed 24728327 (cited by ITMI).